The following is an entry in ClinVar:

ClinVar aggregate classification (germline): Likely pathogenic. Review status: criteria provided, multiple submitters, no conflicts (2 of 4 stars). 2 submissions from 2 submitters: Likely pathogenic (2). Last evaluated 2025-12-09.

Conditions:
Multiple sulfatase deficiency (MSD). Also called: Multiple Sulfatase Deficiency Disease; Sulfatidosis, Juvenile, Austin Type; Mucosulfatidosis. Identifiers: Orphanet 585, MedGen C0268263, MONDO:0010088, OMIM 272200.

Allele frequency attached by ClinVar (database versions not stated): gnomAD exomes 0.00001; ExAC 0.00002; TOPMed 0.00003; gnomAD 0.00006; ESP Exome Variant Server 0.00008.
gnomAD v4.1: 12 of 1,611,888 alleles (0.00074%); highest among the groups gnomAD compares: African/African-American, 0.016%; no homozygotes.

Submissions (2):

Natera, Inc.
Classification: Likely pathogenic for Multiple sulfatase deficiency. Last evaluated: 2025-12-09. Review status: criteria provided, single submitter. Criteria: Natera Variant Classification Schema (03/2026). Collection method: clinical testing. Allele origin: germline.
Comment: The c.271-1G>C variant in SUMF1 is a canonical splice acceptor site variant predicted to affect pre-mRNA splicing, which may result in an abnormal transcript and altered protein product. This variant is expected to result in nonsense mediated decay, truncation, or a dysfunctional protein product. This variant is rare in the general population with a frequency below the threshold expected for the associated phenotype(s). Given the available evidence, this variant is classified as Likely Pathogenic.

Labcorp Genetics (formerly Invitae), Labcorp
Classification: Likely pathogenic for Multiple sulfatase deficiency. Last evaluated: 2025-03-11. Review status: criteria provided, single submitter. Criteria: Invitae Variant Classification Sherloc (09022015). Collection method: clinical testing. Allele origin: germline.
Comment: This sequence change affects an acceptor splice site in intron 1 of the SUMF1 gene. It is expected to disrupt RNA splicing. Variants that disrupt the donor or acceptor splice site typically lead to a loss of protein function (PMID: 16199547), and loss-of-function variants in SUMF1 are known to be pathogenic (PMID: 12757705, 12757706, 25885655). This variant is present in population databases (rs376109464, gnomAD 0.03%). This variant has not been reported in the literature in individuals affected with SUMF1-related conditions. ClinVar contains an entry for this variant (Variation ID: 2139698). Algorithms developed to predict the effect of sequence changes on RNA splicing suggest that this variant may disrupt the consensus splice site. In summary, the currently available evidence indicates that the variant is pathogenic, but additional data are needed to prove that conclusively. Therefore, this variant has been classified as Likely Pathogenic.

Literature cited by the submitters: PubMed 16199547 (cited by Labcorp Genetics (formerly Invitae), Labcorp); PubMed 12757705 (cited by Labcorp Genetics (formerly Invitae), Labcorp); PubMed 12757706 (cited by Labcorp Genetics (formerly Invitae), Labcorp); PubMed 25885655 (cited by Labcorp Genetics (formerly Invitae), Labcorp).

NM_182760.4(SUMF1):c.271-1G>C

Gene: SUMF1 (sulfatase modifying factor 1; minus strand). Cytogenetic location: 3p26.1.
Variant type: single nucleotide variant.
Coding change: c.271-1G>C on transcript NM_182760.4 (MANE Select); the canonical splice acceptor site of the intron before coding-DNA position 271, G replaced by C.
Molecular consequence: splice acceptor variant.
Genome position (GRCh38, 1-based): chr3:4,453,050, C>G on the plus strand (G>C on the coding strand, the complement: SUMF1 is on the minus strand). VCF-style: chr3-4453050-C-G. GRCh37 (hg19) VCF-style: chr3-4494734-C-G.
Other names: c.271-1G>C (NM_001164674.2, NM_001164675.2, NM_182760.3).
Identifiers: ClinVar variation 2139698 (VCV002139698.5), dbSNP rs376109464, ClinGen allele CA2230647.